The following is an entry in ClinVar:

ClinVar aggregate classification (germline): Uncertain significance (1 of 4 stars; one submission).

Allele frequency attached by ClinVar (database versions not stated): TOPMed below 0.00001; ESP Exome Variant Server 0.00008.
gnomAD v4.1: 1 of 1,614,056 alleles (0.000062%); highest among the groups gnomAD compares: East Asian, 0.0022%; no homozygotes.

Submission:

Greenwood Genetic Center Diagnostic Laboratories, Greenwood Genetic Center
Classification: Uncertain significance. Last evaluated: 2024-02-21. Review status: criteria provided, single submitter. Criteria: ACMG Guidelines, 2015. Collection method: clinical testing. Allele origin: germline. Affected: yes.
Comment: Gene of Uncertain Significance

NM_016107.5(ZFR):c.3020G>A (p.Arg1007His)

Gene: ZFR (zinc finger RNA binding protein; minus strand). Cytogenetic location: 5p13.3.
Variant type: single nucleotide variant.
Coding change: c.3020G>A on transcript NM_016107.5 (MANE Select); coding-DNA position 3020, G replaced by A.
Protein change: p.Arg1007His; replaces arginine 1007 with histidine.
Molecular consequence: missense variant. On other transcripts: non-coding transcript variant (1).
Genome position (GRCh38, 1-based): chr5:32,363,973, C>T on the plus strand (G>A on the coding strand, the complement: ZFR is on the minus strand). VCF-style: chr5-32363973-C-T. GRCh37 (hg19) VCF-style: chr5-32364079-C-T.
Other names: short protein forms R1007H.
Identifiers: ClinVar variation 3235755 (VCV003235755.1), dbSNP rs367873889, ClinGen allele CA116759260.